The following is an entry in ClinVar:

NM_003482.4(KMT2D):c.11375C>T (p.Pro3792Leu)

Gene: KMT2D (lysine methyltransferase 2D; minus strand). Cytogenetic location: 12q13.12.
Variant type: single nucleotide variant.
Coding change: c.11375C>T on transcript NM_003482.4 (MANE Select); coding-DNA position 11375, C replaced by T.
Protein change: p.Pro3792Leu; replaces proline 3792 with leucine.
Molecular consequence: missense variant.
Genome position (GRCh38, 1-based): chr12:49,033,330, G>A on the plus strand (C>T on the coding strand, the complement: KMT2D is on the minus strand). VCF-style: chr12-49033330-G-A. GRCh37 (hg19) VCF-style: chr12-49427113-G-A.
Other names: short protein forms P3792L.
Identifiers: ClinVar variation 3665507 (VCV003665507.4).

ClinVar aggregate classification (germline): Uncertain significance. Review status: criteria provided, multiple submitters, no conflicts (2 of 4 stars). 3 submissions from 3 submitters: Uncertain significance (3). Last evaluated 2025-11-04.

Conditions:
KMT2D-related disorder. Also called: KMT2D-Related Disorders.
Kabuki syndrome. Also called: Kabuki make-up syndrome; NIIKAWA-KUROKI SYNDROME. Identifiers: Orphanet 2322, MedGen C0796004, MONDO:0016512.

Submissions (3):

Labcorp Genetics (formerly Invitae), Labcorp
Classification: Uncertain significance for Kabuki syndrome. Last evaluated: 2025-11-04. Review status: criteria provided, single submitter. Criteria: Invitae Variant Classification Sherloc (09022015). Collection method: clinical testing. Allele origin: germline.
Comment: This sequence change replaces proline, which is neutral and non-polar, with leucine, which is neutral and non-polar, at codon 3792 of the KMT2D protein (p.Pro3792Leu). This variant is not present in population databases (gnomAD no frequency). This variant has not been reported in the literature in individuals affected with KMT2D-related conditions. ClinVar contains an entry for this variant (Variation ID: 3665507). Invitae Evidence Modeling of protein sequence and biophysical properties (such as structural, functional, and spatial information, amino acid conservation, physicochemical variation, residue mobility, and thermodynamic stability) indicates that this missense variant is not expected to disrupt KMT2D protein function with a negative predictive value of 95%. In summary, the available evidence is currently insufficient to determine the role of this variant in disease. Therefore, it has been classified as a Variant of Uncertain Significance.

PreventionGenetics, part of Exact Sciences
Classification: Uncertain significance for KMT2D-related condition. Last evaluated: 2025-05-09. Review status: criteria provided, single submitter. Criteria: ACMG Guidelines, 2015. Collection method: clinical testing. Allele origin: germline.
Comment: The KMT2D c.11375C>T variant is predicted to result in the amino acid substitution p.Pro3792Leu. To our knowledge, this variant has not been reported in the literature or in a large population database (gnomAD), indicating this variant is rare. At this time, the clinical significance of this variant is uncertain due to the absence of conclusive functional and genetic evidence.

Blueprint Genetics
Classification: Uncertain significance. Last evaluated: 2024-03-21. Review status: criteria provided, single submitter. Criteria: ACMG Guidelines, 2015. Collection method: clinical testing. Allele origin: germline.